The following is an entry in ClinVar:

ClinVar aggregate classification (germline): Uncertain significance. Review status: criteria provided, multiple submitters, no conflicts (2 of 4 stars). 3 submissions from 3 submitters: Uncertain significance (3). Last evaluated 2024-12-01.

Conditions:
Inborn genetic diseases. Identifiers: MedGen C0950123, MeSH D030342.

Allele frequency attached by ClinVar (database versions not stated): gnomAD 0.00006; ExAC 0.00013.
gnomAD v4.1: 83 of 1,583,558 alleles (0.0052%); highest among the groups gnomAD compares: East Asian, 0.036%; no homozygotes.

Submissions (3):

CeGaT Center for Human Genetics Tuebingen
Classification: Uncertain significance. Last evaluated: 2024-12-01. Review status: criteria provided, single submitter. Criteria: CeGaT Center For Human Genetics Tuebingen Variant Classification Criteria Version 2. Collection method: clinical testing. Allele origin: germline. Affected: yes. Observed: 1 variant allele.
Comment: LAMA5: PM2, BP4

Ambry Genetics
Classification: Uncertain significance for Inborn genetic diseases. Last evaluated: 2023-05-03. Review status: criteria provided, single submitter. Criteria: Ambry Variant Classification Scheme 2023. Collection method: clinical testing. Allele origin: germline.

Labcorp Genetics (formerly Invitae), Labcorp
Classification: Uncertain significance. Last evaluated: 2022-10-17. Review status: criteria provided, single submitter. Criteria: Invitae Variant Classification Sherloc (09022015). Collection method: clinical testing. Allele origin: germline.
Comment: This sequence change replaces proline, which is neutral and non-polar, with leucine, which is neutral and non-polar, at codon 3018 of the LAMA5 protein (p.Pro3018Leu). This variant is present in population databases (rs758378567, gnomAD 0.09%). This variant has not been reported in the literature in individuals affected with LAMA5-related conditions. Algorithms developed to predict the effect of missense changes on protein structure and function output the following: SIFT: "Tolerated"; PolyPhen-2: "Benign"; Align-GVGD: "Class C0". The leucine amino acid residue is found in multiple mammalian species, which suggests that this missense change does not adversely affect protein function. In summary, the available evidence is currently insufficient to determine the role of this variant in disease. Therefore, it has been classified as a Variant of Uncertain Significance.

NM_005560.6(LAMA5):c.9053C>T (p.Pro3018Leu)

Gene: LAMA5 (laminin subunit alpha 5; minus strand). Cytogenetic location: 20q13.33.
Variant type: single nucleotide variant.
Coding change: c.9053C>T on transcript NM_005560.6 (MANE Select); coding-DNA position 9053, C replaced by T.
Protein change: p.Pro3018Leu; replaces proline 3018 with leucine.
Molecular consequence: missense variant.
Genome position (GRCh38, 1-based): chr20:62,312,913, G>A on the plus strand (C>T on the coding strand, the complement: LAMA5 is on the minus strand). VCF-style: chr20-62312913-G-A. GRCh37 (hg19) VCF-style: chr20-60887969-G-A.
Other names: c.9053C>T (NM_005560.3); short protein forms P3018L.
Identifiers: ClinVar variation 2074767 (VCV002074767.16), dbSNP rs758378567, ClinGen allele CA9940452.